The following is an entry in ClinVar:

NM_000260.4(MYO7A):c.133-6C>T

Gene: MYO7A (myosin VIIA; plus strand). Cytogenetic location: 11q13.5.
Variant type: single nucleotide variant.
Coding change: c.133-6C>T on transcript NM_000260.4 (MANE Select); 6 bases into the intron before coding-DNA position 133, C replaced by T.
Molecular consequence: intron variant.
Genome position (GRCh38, 1-based): chr11:77,147,792, C>T. VCF-style: chr11-77147792-C-T. GRCh37 (hg19) VCF-style: chr11-76858838-C-T.
Other names: c.100-6C>T (NM_001369365.1); c.133-6C>T (NM_001127180.2).
Identifiers: ClinVar variation 512044 (VCV000512044.15), dbSNP rs376963984, ClinGen allele CA6197052.

ClinVar aggregate classification (germline): Likely benign. Review status: criteria provided, multiple submitters, no conflicts (2 of 4 stars). 4 submissions from 4 submitters: Likely benign (3). 1 of the submissions does not count toward it. Last evaluated 2026-01-21.

Conditions:
MYO7A-related disorder. Also called: MYO7A-related disorders.

Allele frequency attached by ClinVar (database versions not stated): gnomAD exomes 0.00002; TOPMed 0.00003; ExAC 0.00004; gnomAD 0.00004.
gnomAD v4.1: 42 of 1,609,276 alleles (0.0026%); highest among the groups gnomAD compares: East Asian, 0.0045%; no homozygotes.

Submissions (4):

Labcorp Genetics (formerly Invitae), Labcorp
Classification: Likely benign. Last evaluated: 2026-01-21. Review status: criteria provided, single submitter. Criteria: Invitae Variant Classification Sherloc (09022015). Collection method: clinical testing. Allele origin: germline.

Blueprint Genetics
Classification: Likely benign. Last evaluated: 2024-09-18. Review status: criteria provided, single submitter. Criteria: ACMG Guidelines, 2015. Collection method: clinical testing. Allele origin: germline.

GeneDx
Classification: Likely benign. Last evaluated: 2021-04-29. Review status: criteria provided, single submitter. Criteria: GeneDx Variant Classification Process June 2021. Collection method: clinical testing. Allele origin: germline. Affected: yes.

PreventionGenetics, part of Exact Sciences
Classification: Likely benign for MYO7A-related condition. Last evaluated: 2019-12-04. Review status: no assertion criteria provided. Collection method: clinical testing. Allele origin: germline. Not counted in ClinVar's aggregate classification.
Comment: This variant is classified as likely benign based on ACMG/AMP sequence variant interpretation guidelines (Richards et al. 2015 PMID: 25741868, with internal and published modifications).